The following is an entry in ClinVar:

ClinVar aggregate classification (germline): Likely benign (1 of 4 stars; one submission).

Submission:

GeneDx
Classification: Likely benign. Last evaluated: 2011-10-11. Review status: criteria provided, single submitter. Criteria: GeneDx Variant Classification (06012015). Collection method: clinical testing. Allele origin: germline. Affected: yes.
Comment: This variant is considered likely benign or benign based on one or more of the following criteria: it is a conservative change, it occurs at a poorly conserved position in the protein, it is predicted to be benign by multiple in silico algorithms, and/or has population frequency not consistent with disease.

NM_005751.5(AKAP9):c.8221G>T (p.Ala2741Ser)

Gene: AKAP9 (A-kinase anchoring protein 9; plus strand). Cytogenetic location: 7q21.2.
Variant type: single nucleotide variant.
Coding change: c.8221G>T on transcript NM_005751.5 (MANE Select); coding-DNA position 8221, G replaced by T.
Protein change: p.Ala2741Ser; replaces alanine 2741 with serine.
Molecular consequence: missense variant.
Genome position (GRCh38, 1-based): chr7:92,083,230, G>T. VCF-style: chr7-92083230-G-T. GRCh37 (hg19) VCF-style: chr7-91712544-G-T.
Other names: p.A2741S:GCA>TCA; c.2866G>T, p.Ala956Ser (NM_001379277.1); c.8197G>T, p.Ala2733Ser (NM_147185.3); short protein forms A2741S, A2733S, A956S.
Identifiers: ClinVar variation 190492 (VCV000190492.1), dbSNP rs368001901, ClinGen allele CA300627.
Genomic context (GRCh38, chr7:92,083,230, plus strand): 5'-GTAAAAGAAACAAATATGACATCTCTTCAGAAAGACTTAAGCCAAGTTAGGGATCACCTC[G>T]CAGAGGCAAAAGAGAAATTGTCCATTTTAGAAAAAGAAGATGAGACTGAGGTACAAGAAA-3'
Protein context (NP_005742.4, residues 2731-2751): KDLSQVRDHL[Ala2741Ser]EAKEKLSILE